The following is an entry in ClinVar:

NM_001430.5(EPAS1):c.1899C>T (p.Gly633=)

Gene: EPAS1 (endothelial PAS domain protein 1; plus strand). Cytogenetic location: 2p21.
Variant type: single nucleotide variant.
Coding change: c.1899C>T on transcript NM_001430.5 (MANE Select); coding-DNA position 1899, C replaced by T.
Protein change: p.Gly633=; no amino-acid change (glycine 633 retained).
Molecular consequence: synonymous variant.
Genome position (GRCh38, 1-based): chr2:46,380,571, C>T. VCF-style: chr2-46380571-C-T. GRCh37 (hg19) VCF-style: chr2-46607710-C-T.
Other names: p.Gly633=.
Identifiers: ClinVar variation 1782220 (VCV001782220.3), dbSNP rs755520722, ClinGen allele CA1645142.
Genomic context (GRCh38, chr2:46,380,571, plus strand): 5'-CAAAGCATCCCTGCCACCGTGCTGTGGCCAGGCCAGCACCCCTCTCTCTTCCATGGGGGG[C>T]AGATCCAATACCCAGTGGCCCCCAGATCCACCATTACATTTTGGGCCCACAAAGTGGGCC-3'
Protein context (NP_001421.2, residues 623-643): QASTPLSSMG[Gly633=]RSNTQWPPDP

ClinVar aggregate classification (germline): Likely benign. Review status: criteria provided, multiple submitters, no conflicts (2 of 4 stars). 2 submissions from 2 submitters: Likely benign (2). Last evaluated 2025-06-10.

Conditions:
Inborn genetic diseases. Identifiers: MedGen C0950123, MeSH D030342.

Allele frequency attached by ClinVar (database versions not stated): gnomAD exomes below 0.00001; ExAC 0.00001.
gnomAD v4.1: 3 of 1,614,128 alleles (0.00019%); highest among the groups gnomAD compares: Non-Finnish European, 0.00025%; no homozygotes.

Submissions (2):

Mayo Clinic Laboratories, Mayo Clinic
Classification: Likely benign. Last evaluated: 2025-06-10. Review status: criteria provided, single submitter. Criteria: ACMG Guidelines, 2015. Collection method: clinical testing. Allele origin: germline. Observed: 1 variant allele.
Comment: BP4, BP7, PM2_supporting

Ambry Genetics
Classification: Likely benign for Inborn genetic diseases. Last evaluated: 2020-01-29. Review status: criteria provided, single submitter. Criteria: Ambry Variant Classification Scheme 2023. Collection method: clinical testing. Allele origin: germline.